The following is an entry in ClinVar:

ClinVar aggregate classification (germline): Uncertain significance (1 of 4 stars; one submission).

gnomAD v4.1: 7 of 1,613,566 alleles (0.00043%); highest among the groups gnomAD compares: African/African-American, 0.0013%; no homozygotes.

Submission:

Labcorp Genetics (formerly Invitae), Labcorp
Classification: Uncertain significance. Last evaluated: 2025-04-03. Review status: criteria provided, single submitter. Criteria: Invitae Variant Classification Sherloc (09022015). Collection method: clinical testing. Allele origin: germline.
Comment: This sequence change replaces arginine, which is basic and polar, with histidine, which is basic and polar, at codon 89 of the RPL9 protein (p.Arg89His). This variant is present in population databases (rs774859693, gnomAD 0.003%). This variant has not been reported in the literature in individuals affected with RPL9-related conditions. An algorithm developed to predict the effect of missense changes on protein structure and function (PolyPhen-2) suggests that this variant is likely to be tolerated. In summary, the available evidence is currently insufficient to determine the role of this variant in disease. Therefore, it has been classified as a Variant of Uncertain Significance.

NM_000661.5(RPL9):c.266G>A (p.Arg89His)

Gene: RPL9 (ribosomal protein L9; minus strand). Cytogenetic location: 4p14.
Variant type: single nucleotide variant.
Coding change: c.266G>A on transcript NM_000661.5 (MANE Select); coding-DNA position 266, G replaced by A.
Protein change: p.Arg89His; replaces arginine 89 with histidine.
Molecular consequence: missense variant.
Genome position (GRCh38, 1-based): chr4:39,456,531, C>T on the plus strand (G>A on the coding strand, the complement: RPL9 is on the minus strand). VCF-style: chr4-39456531-C-T. GRCh37 (hg19) VCF-style: chr4-39458151-C-T.
Other names: c.266G>A, p.Arg89His (NM_001024921.4); short protein forms R89H.
Identifiers: ClinVar variation 4751020 (VCV004751020.1).